The following is an entry in ClinVar:

ClinVar aggregate classification (germline): Likely benign. Review status: criteria provided, multiple submitters, no conflicts (2 of 4 stars). 2 submissions from 2 submitters: Likely benign (2). Last evaluated 2024-12-06.

Allele frequency attached by ClinVar (database versions not stated): ESP Exome Variant Server 0.00008; gnomAD 0.00001 and 0.00002; gnomAD exomes 0.00001 and 0.00002; ExAC 0.00002; TOPMed 0.00002.
gnomAD v4.1: 23 of 1,614,050 alleles (0.0014%); highest among the groups gnomAD compares: Non-Finnish European, 0.0014%; no homozygotes.

Submissions (2):

Labcorp Genetics (formerly Invitae), Labcorp
Classification: Likely benign. Last evaluated: 2024-12-06. Review status: criteria provided, single submitter. Criteria: Invitae Variant Classification Sherloc (09022015). Collection method: clinical testing. Allele origin: germline.

CeGaT Center for Human Genetics Tuebingen
Classification: Likely benign. Last evaluated: 2022-05-01. Review status: criteria provided, single submitter. Criteria: CeGaT Center For Human Genetics Tuebingen Variant Classification Criteria Version 2. Collection method: clinical testing. Allele origin: germline. Affected: yes. Observed: 1 variant allele.
Comment: TRRAP: BS2

NM_001375524.1(TRRAP):c.4558A>G (p.Ile1520Val)

Gene: TRRAP (transformation/transcription domain associated protein; plus strand). Cytogenetic location: 7q22.1.
Variant type: single nucleotide variant.
Coding change: c.4558A>G on transcript NM_001375524.1 (MANE Select); coding-DNA position 4558, A replaced by G.
Protein change: p.Ile1520Val; replaces isoleucine 1520 with valine.
Molecular consequence: missense variant.
Genome position (GRCh38, 1-based): chr7:98,948,230, A>G. VCF-style: chr7-98948230-A-G. GRCh37 (hg19) VCF-style: chr7-98545853-A-G.
Other names: c.4537A>G, p.Ile1513Val (NM_001244580.2); c.4483A>G, p.Ile1495Val (NM_003496.4); short protein forms I1495V, I1513V, I1520V.
Identifiers: ClinVar variation 1695197 (VCV001695197.36), dbSNP rs372346936, ClinGen allele CA4360317.